The following is an entry in ClinVar:

ClinVar aggregate classification (germline): Uncertain significance (1 of 4 stars; one submission).

Conditions:
Monocytopenia with susceptibility to infections. Also called: MONOCYTOPENIA AND MYCOBACTERIAL INFECTION SYNDROME; MONOCYTOPENIA WITH SUSCEPTIBILITY TO MYCOBACTERIAL, FUNGAL, AND PAPILLOMAVIRUS INFECTIONS AND MYELODYSPLASIA; COMBINED IMMUNODEFICIENCY WITH SUSCEPTIBILITY TO MYCOBACTERIAL, VIRAL, AND FUNGAL INFECTIONS; Dendritic cell, monocyte, B lymphocyte, and natural killer lymphocyte deficiency; IMMUNODEFICIENCY 21; GATA2 DEFICIENCY. Identifiers: Orphanet 228423, MedGen C3280030, MONDO:0013607, OMIM 614172.
Deafness-lymphedema-leukemia syndrome. Also called: Lymphedema, primary, with myelodysplasia; Emberger syndrome. Identifiers: Orphanet 3226, MedGen C3279664, MONDO:0013540, OMIM 614038.

Submission:

Labcorp Genetics (formerly Invitae), Labcorp
Classification: Uncertain significance for Monocytopenia with susceptibility to infections; Deafness-lymphedema-leukemia syndrome. Last evaluated: 2022-07-29. Review status: criteria provided, single submitter. Criteria: Invitae Variant Classification Sherloc (09022015). Collection method: clinical testing. Allele origin: germline.
Comment: In summary, the available evidence is currently insufficient to determine the role of this variant in disease. Therefore, it has been classified as a Variant of Uncertain Significance. This sequence change replaces alanine, which is neutral and non-polar, with glycine, which is neutral and non-polar, at codon 190 of the GATA2 protein (p.Ala190Gly). This variant is not present in population databases (gnomAD no frequency). This variant has not been reported in the literature in individuals affected with GATA2-related conditions. Advanced modeling of protein sequence and biophysical properties (such as structural, functional, and spatial information, amino acid conservation, physicochemical variation, residue mobility, and thermodynamic stability) performed at Invitae indicates that this missense variant is not expected to disrupt GATA2 protein function.

NM_032638.5(GATA2):c.569C>G (p.Ala190Gly)

Gene: GATA2 (GATA binding protein 2; minus strand). Cytogenetic location: 3q21.3.
Variant type: single nucleotide variant.
Coding change: c.569C>G on transcript NM_032638.5 (MANE Select); coding-DNA position 569, C replaced by G.
Protein change: p.Ala190Gly; replaces alanine 190 with glycine.
Molecular consequence: missense variant.
Genome position (GRCh38, 1-based): chr3:128,486,029, G>C on the plus strand (C>G on the coding strand, the complement: GATA2 is on the minus strand). VCF-style: chr3-128486029-G-C. GRCh37 (hg19) VCF-style: chr3-128204872-G-C.
Other names: c.569C>G, p.Ala190Gly (NM_001145661.2, NM_001145662.1); short protein forms A190G.
Identifiers: ClinVar variation 1714119 (VCV001714119.5), dbSNP rs2472930866, ClinGen allele CA354406496.